The following is an entry in ClinVar:

ClinVar aggregate classification (germline): Benign. Review status: criteria provided, multiple submitters, no conflicts (2 of 4 stars). 2 submissions from 2 submitters: Benign (2). Last evaluated 2021-06-20.

Conditions:
Amelogenesis imperfecta hypomaturation type 2A2. Also called: AMELOGENESIS IMPERFECTA, PIGMENTED HYPOMATURATION TYPE, 2; Amelogenesis imperfecta, type IIA2; Amelogenesis imperfecta, hypomaturation type, IIA2. Identifiers: Orphanet 88661, MedGen C2675858, MONDO:0012926, OMIM 612529. Disease mechanism: loss of function.

Allele frequency attached by ClinVar (database versions not stated): 1000 Genomes Project 0.01597; 1000 Genomes Project 30x 0.01640; TOPMed 0.01835.
gnomAD v4.1: 3,163 of 513,402 alleles (0.62%); highest among the groups gnomAD compares: African/African-American, 5.6%; 82 homozygotes.

Submissions (2):

GeneDx
Classification: Benign. Last evaluated: 2021-06-20. Review status: criteria provided, single submitter. Criteria: GeneDx Variant Classification Process June 2021. Collection method: clinical testing. Allele origin: germline. Affected: yes.

Illumina Laboratory Services, Illumina
Classification: Benign for Amelogenesis imperfecta hypomaturation type 2A2. Last evaluated: 2018-01-12. Review status: criteria provided, single submitter. Criteria: ICSL Variant Classification Criteria 13 December 2019. Collection method: clinical testing. Allele origin: germline.
Comment: This variant was observed in the ICSL laboratory as part of a predisposition screen in an ostensibly healthy population. It had not been previously curated by ICSL or reported in the Human Gene Mutation Database (HGMD: prior to June 1st, 2018), and was therefore a candidate for classification through an automated scoring system. Utilizing variant allele frequency, disease prevalence and penetrance estimates, and inheritance mode, an automated score was calculated to assess if this variant is too frequent to cause the disease. Based on the score and internal cut-off values, a variant classified as benign is not then subjected to further curation. The score for this variant resulted in a classification of benign for this disease.

NM_004771.4(MMP20):c.*227A>C

Gene: MMP20 (matrix metallopeptidase 20; minus strand). Cytogenetic location: 11q22.2.
Variant type: single nucleotide variant.
Coding change: c.*227A>C on transcript NM_004771.4 (MANE Select); 227 bases downstream of the stop codon, A replaced by C.
Molecular consequence: 3 prime UTR variant.
Genome position (GRCh38, 1-based): chr11:102,577,099, T>G on the plus strand (A>C on the coding strand, the complement: MMP20 is on the minus strand). VCF-style: chr11-102577099-T-G. GRCh37 (hg19) VCF-style: chr11-102447830-T-G.
Identifiers: ClinVar variation 880332 (VCV000880332.6), dbSNP rs12278482, ClinGen allele CA227279613.